The following is an entry in ClinVar:

NM_003764.4(STX11):c.260A>C (p.Asn87Thr)

Gene: STX11 (syntaxin 11; plus strand). Cytogenetic location: 6q24.2.
Variant type: single nucleotide variant.
Coding change: c.260A>C on transcript NM_003764.4 (MANE Select); coding-DNA position 260, A replaced by C.
Protein change: p.Asn87Thr; replaces asparagine 87 with threonine.
Molecular consequence: missense variant.
Genome position (GRCh38, 1-based): chr6:144,186,887, A>C. VCF-style: chr6-144186887-A-C. GRCh37 (hg19) VCF-style: chr6-144508024-A-C.
Other names: short protein forms N87T.
Identifiers: ClinVar variation 1353929 (VCV001353929.6), dbSNP rs771634798, ClinGen allele CA365948862.

ClinVar aggregate classification (germline): Uncertain significance (1 of 4 stars; one submission).

Conditions:
Familial hemophagocytic lymphohistiocytosis 4 (FHL4). Also called: STX11-Related Familial Hemophagocytic Lymphohistiocytosis (STX11-fHLH). Identifiers: Orphanet 540, MedGen C1863728, MONDO:0011336, OMIM 603552.

Submission:

Labcorp Genetics (formerly Invitae), Labcorp
Classification: Uncertain significance for Familial hemophagocytic lymphohistiocytosis 4. Last evaluated: 2021-12-02. Review status: criteria provided, single submitter. Criteria: Invitae Variant Classification Sherloc (09022015). Collection method: clinical testing. Allele origin: germline.
Comment: This sequence change replaces asparagine, which is neutral and polar, with threonine, which is neutral and polar, at codon 87 of the STX11 protein (p.Asn87Thr). This variant is not present in population databases (gnomAD no frequency). This variant has not been reported in the literature in individuals affected with STX11-related conditions. Algorithms developed to predict the effect of missense changes on protein structure and function are either unavailable or do not agree on the potential impact of this missense change (SIFT: "Deleterious"; PolyPhen-2: "Probably Damaging"; Align-GVGD: "Class C0"). In summary, the available evidence is currently insufficient to determine the role of this variant in disease. Therefore, it has been classified as a Variant of Uncertain Significance.